The following is an entry in ClinVar:

NM_024675.4(PALB2):c.1466C>T (p.Ser489Phe)

Gene: PALB2 (partner and localizer of BRCA2; minus strand). Cytogenetic location: 16p12.2.
Variant type: single nucleotide variant.
Coding change: c.1466C>T on transcript NM_024675.4 (MANE Select); coding-DNA position 1466, C replaced by T.
Protein change: p.Ser489Phe; replaces serine 489 with phenylalanine.
Molecular consequence: missense variant.
Genome position (GRCh38, 1-based): chr16:23,635,080, G>A on the plus strand (C>T on the coding strand, the complement: PALB2 is on the minus strand). VCF-style: chr16-23635080-G-A. GRCh37 (hg19) VCF-style: chr16-23646401-G-A.
Other names: short protein forms S489F.
Identifiers: ClinVar variation 819192 (VCV000819192.9), dbSNP rs1597095944, ClinGen allele CA395131174.

ClinVar aggregate classification (germline): Uncertain significance. Review status: criteria provided, multiple submitters, no conflicts (2 of 4 stars). 3 submissions from 3 submitters: Uncertain significance (3). Last evaluated 2025-09-14.

Conditions:
Familial cancer of breast. Also called: hereditary breast carcinoma; Hereditary breast cancer; BREAST CANCER, FAMILIAL. Identifiers: Orphanet 227535, MedGen C0346153, MONDO:0016419, OMIM 114480. Disease mechanism: loss of function.
Hereditary cancer-predisposing syndrome. Also called: Tumor predisposition; Hereditary neoplastic syndrome; Neoplastic Syndromes, Hereditary; Hereditary Cancer Syndrome. Identifiers: Orphanet 140162, MedGen C0027672, MeSH D009386, MONDO:0015356.

Allele frequency attached by ClinVar (database versions not stated): gnomAD exomes below 0.00001.

Submissions (3):

Ambry Genetics
Classification: Uncertain significance for Hereditary cancer-predisposing syndrome. Last evaluated: 2025-09-14. Review status: criteria provided, single submitter. Criteria: Ambry Variant Classification Scheme 2023. Collection method: clinical testing. Allele origin: germline.
Comment: The p.S489F variant (also known as c.1466C>T), located in coding exon 4 of the PALB2 gene, results from a C to T substitution at nucleotide position 1466. The serine at codon 489 is replaced by phenylalanine, an amino acid with highly dissimilar properties. This amino acid position is not well conserved in available vertebrate species. In addition, this alteration is predicted to be tolerated by in silico analysis. Since supporting evidence is limited at this time, the clinical significance of this alteration remains unclear.

Center for Genomic Medicine, Rigshospitalet, Copenhagen University Hospital
Classification: Uncertain significance. Last evaluated: 2025-03-04. Review status: criteria provided, single submitter. Criteria: ACMG Guidelines, 2015. Collection method: clinical testing. Allele origin: germline.

Labcorp Genetics (formerly Invitae), Labcorp
Classification: Uncertain significance for Familial cancer of breast. Last evaluated: 2024-10-10. Review status: criteria provided, single submitter. Criteria: Invitae Variant Classification Sherloc (09022015). Collection method: clinical testing. Allele origin: germline.
Comment: This sequence change replaces serine, which is neutral and polar, with phenylalanine, which is neutral and non-polar, at codon 489 of the PALB2 protein (p.Ser489Phe). This variant is not present in population databases (gnomAD no frequency). This variant has not been reported in the literature in individuals affected with PALB2-related conditions. ClinVar contains an entry for this variant (Variation ID: 819192). Invitae Evidence Modeling of protein sequence and biophysical properties (such as structural, functional, and spatial information, amino acid conservation, physicochemical variation, residue mobility, and thermodynamic stability) indicates that this missense variant is not expected to disrupt PALB2 protein function with a negative predictive value of 80%. In summary, the available evidence is currently insufficient to determine the role of this variant in disease. Therefore, it has been classified as a Variant of Uncertain Significance.